The following is an entry in ClinVar:

NM_024426.6(WT1):c.413C>A (p.Pro138Gln)

Genes: WT1 (WT1 transcription factor; minus strand), LOC107982234 (WT1/WT1-AS bi-directional promoter region; plus strand). Cytogenetic location: 11p13.
Variant type: single nucleotide variant.
Coding change: c.413C>A on transcript NM_024426.6 (MANE Select); coding-DNA position 413, C replaced by A.
Protein change: p.Pro138Gln; replaces proline 138 with glutamine.
Molecular consequence: missense variant. On other transcripts: non-coding transcript variant (1).
Genome position (GRCh38, 1-based): chr11:32,434,948, G>T on the plus strand (C>A on the coding strand, the complement: WT1 is on the minus strand). VCF-style: chr11-32434948-G-T. GRCh37 (hg19) VCF-style: chr11-32456494-G-T.
Other names: c.398C>A (NM_024426.4); c.413C>A, p.Pro138Gln (NM_000378.6, NM_024424.5); short protein forms P138Q.
Identifiers: ClinVar variation 1041534 (VCV001041534.10), dbSNP rs1853450493, ClinGen allele CA379965731.

ClinVar aggregate classification (germline): Uncertain significance. Review status: criteria provided, multiple submitters, no conflicts (2 of 4 stars). 2 submissions from 2 submitters: Uncertain significance (2). Last evaluated 2025-01-31.

Conditions:
Inborn genetic diseases. Identifiers: MedGen C0950123, MeSH D030342.
Wilms tumor 1 (WT1). Also called: Wilms tumor, somatic. Identifiers: Orphanet 654, MedGen CN033288, MONDO:0008679, OMIM 194070.
11p partial monosomy syndrome (WAGR). Also called: WAGR Spectrum Disorder; WAGR Complex; WAGR syndrome; CHROMOSOME 11p13 DELETION SYNDROME. Identifiers: Orphanet 893, MedGen C0206115, MONDO:0008681, OMIM 194072.
Drash syndrome (DDS). Also called: NEPHROPATHY, WILMS TUMOR, AND GENITAL ANOMALIES; WILMS TUMOR AND PSEUDO- OR TRUE HERMAPHRODITISM. Identifiers: Orphanet 220, MedGen C0950121, MONDO:0008682, OMIM 194080.
Frasier syndrome. Identifiers: Orphanet 347, MedGen C0950122, MeSH D052159, MONDO:0007635, OMIM 136680.

gnomAD v4.1: 6 of 1,568,292 alleles (0.00038%); highest among the groups gnomAD compares: Non-Finnish European, 0.00052%; no homozygotes.

Submissions (2):

Ambry Genetics
Classification: Uncertain significance for Inborn genetic diseases. Last evaluated: 2025-01-31. Review status: criteria provided, single submitter. Criteria: Ambry Variant Classification Scheme 2023. Collection method: clinical testing. Allele origin: germline.
Comment: The p.P133Q variant (also known as c.398C>A), located in coding exon 1 of the WT1 gene, results from a C to A substitution at nucleotide position 398. The proline at codon 133 is replaced by glutamine, an amino acid with similar properties. This amino acid position is conserved. In addition, this alteration is predicted to be tolerated by in silico analysis. Based on the available evidence, the clinical significance of this variant remains unclear.

Labcorp Genetics (formerly Invitae), Labcorp
Classification: Uncertain significance for Wilms tumor 1; Drash syndrome; 11p partial monosomy syndrome; Frasier syndrome. Last evaluated: 2023-09-17. Review status: criteria provided, single submitter. Criteria: Invitae Variant Classification Sherloc (09022015). Collection method: clinical testing. Allele origin: germline.
Comment: Advanced modeling of protein sequence and biophysical properties (such as structural, functional, and spatial information, amino acid conservation, physicochemical variation, residue mobility, and thermodynamic stability) has been performed at Invitae for this missense variant, however the output from this modeling did not meet the statistical confidence thresholds required to predict the impact of this variant on WT1 protein function. This variant has not been reported in the literature in individuals affected with WT1-related conditions. ClinVar contains an entry for this variant (Variation ID: 1041534). In summary, the available evidence is currently insufficient to determine the role of this variant in disease. Therefore, it has been classified as a Variant of Uncertain Significance. This sequence change replaces proline, which is neutral and non-polar, with glutamine, which is neutral and polar, at codon 133 of the WT1 protein (p.Pro133Gln). This variant is not present in population databases (gnomAD no frequency).